The following is an entry in ClinVar:

NM_002471.4(MYH6):c.2292+3G>A

Gene: MYH6 (myosin heavy chain 6; minus strand). Cytogenetic location: 14q11.2.
Variant type: single nucleotide variant.
Coding change: c.2292+3G>A on transcript NM_002471.4 (MANE Select); 3 bases into the intron after coding-DNA position 2292, G replaced by A.
Molecular consequence: intron variant.
Genome position (GRCh38, 1-based): chr14:23,396,691, C>T on the plus strand (G>A on the coding strand, the complement: MYH6 is on the minus strand). VCF-style: chr14-23396691-C-T. GRCh37 (hg19) VCF-style: chr14-23865900-C-T.
Identifiers: ClinVar variation 3400831 (VCV003400831.1).

ClinVar aggregate classification (germline): Uncertain significance (1 of 4 stars; one submission).

Conditions:
Cardiovascular phenotype. Identifiers: MedGen CN230736.

gnomAD v4.1: 1 of 1,614,044 alleles (0.000062%); highest among the groups gnomAD compares: Non-Finnish European, 0.000085%; no homozygotes.

Submission:

Ambry Genetics
Classification: Uncertain significance for Cardiovascular phenotype. Last evaluated: 2024-06-28. Review status: criteria provided, single submitter. Criteria: Ambry Variant Classification Scheme 2023. Collection method: clinical testing. Allele origin: germline.
Comment: The c.2292+3G>A intronic variant results from a G to A substitution 3 nucleotides after coding exon 17 in the MYH6 gene. This nucleotide position is highly conserved in available vertebrate species. In silico splice site analysis predicts that this alteration will not have any significant effect on splicing. Based on the available evidence, the clinical significance of this variant remains unclear.